The following is an entry in ClinVar:

NM_000137.4(FAH):c.79G>C (p.Asp27His)

Gene: FAH (fumarylacetoacetate hydrolase; plus strand). Cytogenetic location: 15q25.1.
Variant type: single nucleotide variant.
Coding change: c.79G>C on transcript NM_000137.4 (MANE Select); coding-DNA position 79, G replaced by C.
Protein change: p.Asp27His; replaces aspartic acid 27 with histidine.
Molecular consequence: missense variant.
Genome position (GRCh38, 1-based): chr15:80,153,133, G>C. VCF-style: chr15-80153133-G-C. GRCh37 (hg19) VCF-style: chr15-80445475-G-C.
Other names: c.79G>C, p.Asp27His (NM_001374377.1, NM_001374380.1); short protein forms D27H.
Identifiers: ClinVar variation 2177624 (VCV002177624.4), dbSNP rs867200761, ClinGen allele CA274011166.

ClinVar aggregate classification (germline): Uncertain significance (1 of 4 stars; one submission).

Conditions:
Tyrosinemia type I (TYRSN1). Also called: HEPATORENAL TYROSINEMIA; Tyrosinemia type 1; Fumarylacetoacetase deficiency; Deficiency of fumarylacetoacetase; FAH DEFICIENCY. Identifiers: Orphanet 882, MedGen C0268490, MONDO:0010161, OMIM 276700. Disease mechanism: loss of function.

gnomAD v4.1: 11 of 1,611,386 alleles (0.00068%); highest among the groups gnomAD compares: Middle Eastern, 0.18%; 1 homozygote.

Submission:

Labcorp Genetics (formerly Invitae), Labcorp
Classification: Uncertain significance for Tyrosinemia type I. Last evaluated: 2024-10-16. Review status: criteria provided, single submitter. Criteria: Invitae Variant Classification Sherloc (09022015). Collection method: clinical testing. Allele origin: germline.
Comment: This sequence change replaces aspartic acid, which is acidic and polar, with histidine, which is basic and polar, at codon 27 of the FAH protein (p.Asp27His). This variant is not present in population databases (gnomAD no frequency). This variant has not been reported in the literature in individuals affected with FAH-related conditions. ClinVar contains an entry for this variant (Variation ID: 2177624). An algorithm developed to predict the effect of missense changes on protein structure and function outputs the following: PolyPhen-2: "Benign". The histidine amino acid residue is found in multiple mammalian species, which suggests that this missense change does not adversely affect protein function. In summary, the available evidence is currently insufficient to determine the role of this variant in disease. Therefore, it has been classified as a Variant of Uncertain Significance.